The following is an entry in ClinVar:

NM_031935.3(HMCN1):c.12833G>A (p.Arg4278Gln)

Gene: HMCN1 (hemicentin 1; plus strand). Cytogenetic location: 1q31.1.
Variant type: single nucleotide variant.
Coding change: c.12833G>A on transcript NM_031935.3 (MANE Select); coding-DNA position 12833, G replaced by A.
Protein change: p.Arg4278Gln; replaces arginine 4278 with glutamine.
Molecular consequence: missense variant.
Genome position (GRCh38, 1-based): chr1:186,128,220, G>A. VCF-style: chr1-186128220-G-A. GRCh37 (hg19) VCF-style: chr1-186097352-G-A.
Other names: c.12833G>A (NM_031935.2); short protein forms R4278Q.
Identifiers: ClinVar variation 2716444 (VCV002716444.4), dbSNP rs373645795, ClinGen allele CA1294468.

ClinVar aggregate classification (germline): Uncertain significance. Review status: criteria provided, multiple submitters, no conflicts (2 of 4 stars). 2 submissions from 2 submitters: Uncertain significance (2). Last evaluated 2025-07-06.

Allele frequency attached by ClinVar (database versions not stated): gnomAD 0.00001; ExAC 0.00002; TOPMed 0.00002; ESP Exome Variant Server 0.00008; gnomAD exomes 0.00008.
gnomAD v4.1: 126 of 1,613,380 alleles (0.0078%); highest among the groups gnomAD compares: Non-Finnish European, 0.0095%; no homozygotes.

Submissions (2):

Labcorp Genetics (formerly Invitae), Labcorp
Classification: Uncertain significance. Last evaluated: 2025-07-06. Review status: criteria provided, single submitter. Criteria: Invitae Variant Classification Sherloc (09022015). Collection method: clinical testing. Allele origin: germline.
Comment: This sequence change replaces arginine, which is basic and polar, with glutamine, which is neutral and polar, at codon 4278 of the HMCN1 protein (p.Arg4278Gln). This variant is present in population databases (rs373645795, gnomAD 0.007%). This variant has not been reported in the literature in individuals affected with HMCN1-related conditions. ClinVar contains an entry for this variant (Variation ID: 2716444). An algorithm developed to predict the effect of missense changes on protein structure and function outputs the following: PolyPhen-2: "Probably Damaging". The glutamine amino acid residue is found in multiple mammalian species, which suggests that this missense change does not adversely affect protein function. In summary, the available evidence is currently insufficient to determine the role of this variant in disease. Therefore, it has been classified as a Variant of Uncertain Significance.

Ambry Genetics
Classification: Uncertain significance. Last evaluated: 2023-10-06. Review status: criteria provided, single submitter. Criteria: Ambry Variant Classification Scheme 2023. Collection method: clinical testing. Allele origin: germline.